The following is an entry in ClinVar:

NM_032242.4(PLXNA1):c.5386C>T (p.Pro1796Ser)

Gene: PLXNA1 (plexin A1; plus strand). Cytogenetic location: 3q21.3.
Variant type: single nucleotide variant.
Coding change: c.5386C>T on transcript NM_032242.4 (MANE Select); coding-DNA position 5386, C replaced by T.
Protein change: p.Pro1796Ser; replaces proline 1796 with serine.
Molecular consequence: missense variant.
Genome position (GRCh38, 1-based): chr3:127,032,541, C>T. VCF-style: chr3-127032541-C-T. GRCh37 (hg19) VCF-style: chr3-126751384-C-T.
Other names: c.5386C>T (NM_032242.3); short protein forms P1796S.
Identifiers: ClinVar variation 3895668 (VCV003895668.2).

ClinVar aggregate classification (germline): Uncertain significance. Review status: criteria provided, multiple submitters, no conflicts (2 of 4 stars). 2 submissions from 2 submitters: Uncertain significance (2). Last evaluated 2025-09-01.

gnomAD v4.1: 3 of 1,613,968 alleles (0.00019%); highest among the groups gnomAD compares: Non-Finnish European, 0.00025%; no homozygotes.

Submissions (2):

Ambry Genetics
Classification: Uncertain significance. Last evaluated: 2025-09-01. Review status: criteria provided, single submitter. Criteria: Ambry Variant Classification Scheme 2023. Collection method: clinical testing. Allele origin: germline.

Women's Health and Genetics/Laboratory Corporation of America, LabCorp
Classification: Uncertain significance. Last evaluated: 2025-03-13. Review status: criteria provided, single submitter. Criteria: LabCorp Variant Classification Summary - May 2015. Collection method: clinical testing. Allele origin: germline.
Comment: Variant summary: PLXNA1 c.5386C>T (p.Pro1796Ser) results in a non-conservative amino acid change in the encoded protein sequence. Four of five in-silico tools predict a damaging effect of the variant on protein function. The variant was absent in 251256 control chromosomes. The available data on variant occurrences in the general population are insufficient to allow any conclusion about variant significance. To our knowledge, no occurrence of c.5386C>T in individuals affected with Dworschak-Punetha Neurodevelopmental Syndrome and no experimental evidence demonstrating its impact on protein function have been reported. No submitters have cited clinical-significance assessments for this variant to ClinVar. Based on the evidence outlined above, the variant was classified as uncertain significance.